The following is an entry in ClinVar:

NM_001374385.1(ATP8B1):c.*900G>T

Genes: ATP8B1 (ATPase phospholipid transporting 8B1; minus strand), ATP8B1-AS1 (ATP8B1 antisense RNA 1; plus strand). Cytogenetic location: 18q21.31.
Variant type: single nucleotide variant.
Coding change: c.*900G>T on transcript NM_001374385.1 (MANE Select); 900 bases downstream of the stop codon, G replaced by T.
Molecular consequence: 3 prime UTR variant.
Genome position (GRCh38, 1-based): chr18:57,647,588, C>A on the plus strand (G>T on the coding strand, the complement: ATP8B1 is on the minus strand). VCF-style: chr18-57647588-C-A. GRCh37 (hg19) VCF-style: chr18-55314820-C-A.
Other names: c.*900G>T (NM_001374386.1, NM_005603.6).
Identifiers: ClinVar variation 327449 (VCV000327449.6), dbSNP rs4940950, ClinGen allele CA10641874.
Genomic context (GRCh38, chr18:57,647,588, plus strand): 5'-TTAATAAGATGGCCTATAGGGAGGAAAAAGGGGCCTCTGGGAAATTATGCTGAAGATCAC[C>A]GAAAGGAAAATGTAACTGTAATTTTATAATACAATACCATTTGAACTGAAATACAACATG-3'

ClinVar aggregate classification (germline): Benign. Review status: criteria provided, multiple submitters, no conflicts (2 of 4 stars). 2 submissions from 2 submitters: Benign (2). Last evaluated 2018-01-13.

Conditions:
Progressive familial intrahepatic cholestasis type 1. Also called: BYLER DISEASE; Byler's disease; Severe ATP8B1 Deficiency (Progressive Familial Intrahepatic Cholestasis Type 1 [PFIC1]). Identifiers: Orphanet 79306, MedGen C4551898, MONDO:0008892, OMIM 211600.

Allele frequency attached by ClinVar (database versions not stated): TOPMed 0.45584; 1000 Genomes Project 30x 0.46112; 1000 Genomes Project 0.46605; gnomAD exomes 0.57488.
gnomAD v4.1: 70,152 of 152,300 alleles (46%); highest among the groups gnomAD compares: East Asian, 52%; 16,519 homozygotes.

Submissions (2):

Illumina Laboratory Services, Illumina
Classification: Benign for Progressive familial intrahepatic cholestasis type 1. Last evaluated: 2018-01-13. Review status: criteria provided, single submitter. Criteria: ICSL Variant Classification Criteria 13 December 2019. Collection method: clinical testing. Allele origin: germline.
Comment: This variant was observed in the ICSL laboratory as part of a predisposition screen in an ostensibly healthy population. It had not been previously curated by ICSL or reported in the Human Gene Mutation Database (HGMD: prior to June 1st, 2018), and was therefore a candidate for classification through an automated scoring system. Utilizing variant allele frequency, disease prevalence and penetrance estimates, and inheritance mode, an automated score was calculated to assess if this variant is too frequent to cause the disease. Based on the score and internal cut-off values, a variant classified as benign is not then subjected to further curation. The score for this variant resulted in a classification of benign for this disease.

Breakthrough Genomics
Classification: Benign. Review status: criteria provided, single submitter. Criteria: ACMG Guidelines, 2015. Collection method: not provided. Allele origin: germline. Inheritance: Autosomal recessive inheritance. Affected: yes.